The following is an entry in ClinVar:

NM_002227.4(JAK1):c.747G>A (p.Lys249=)

Gene: JAK1 (Janus kinase 1; minus strand). Cytogenetic location: 1p31.3.
Variant type: single nucleotide variant.
Coding change: c.747G>A on transcript NM_002227.4 (MANE Select); coding-DNA position 747, G replaced by A.
Protein change: p.Lys249=; no amino-acid change (lysine 249 retained).
Molecular consequence: synonymous variant.
Genome position (GRCh38, 1-based): chr1:64,867,109, C>T on the plus strand (G>A on the coding strand, the complement: JAK1 is on the minus strand). VCF-style: chr1-64867109-C-T. GRCh37 (hg19) VCF-style: chr1-65332792-C-T.
Other names: c.747G>A, p.Lys249= (NM_001320923.2, NM_001321852.2, NM_001321853.2 and 4 more transcripts).
Identifiers: ClinVar variation 2867378 (VCV002867378.10), dbSNP rs1210692562, ClinGen allele CA418435923.

ClinVar aggregate classification (germline): Likely benign. Review status: criteria provided, multiple submitters, no conflicts (2 of 4 stars). 2 submissions from 2 submitters: Likely benign (2). Last evaluated 2025-03-01.

Allele frequency attached by ClinVar (database versions not stated): gnomAD 0.00001; TOPMed 0.00001.
gnomAD v4.1: 7 of 1,613,724 alleles (0.00043%); highest among the groups gnomAD compares: Non-Finnish European, 0.00059%; no homozygotes.

Submissions (2):

CeGaT Center for Human Genetics Tuebingen
Classification: Likely benign. Last evaluated: 2025-03-01. Review status: criteria provided, single submitter. Criteria: CeGaT Center For Human Genetics Tuebingen Variant Classification Criteria Version 2. Collection method: clinical testing. Allele origin: germline. Affected: yes. Observed: 1 variant allele.
Comment: JAK1: BP4, BP7

Labcorp Genetics (formerly Invitae), Labcorp
Classification: Likely benign. Last evaluated: 2023-03-26. Review status: criteria provided, single submitter. Criteria: Invitae Variant Classification Sherloc (09022015). Collection method: clinical testing. Allele origin: germline.